The following is an entry in ClinVar:

NM_000231.3(SGCG):c.848G>A (p.Cys283Tyr)

Gene: SGCG (sarcoglycan gamma; plus strand). Cytogenetic location: 13q12.12.
Variant type: single nucleotide variant.
Coding change: c.848G>A on transcript NM_000231.3 (MANE Select); coding-DNA position 848, G replaced by A.
Protein change: p.Cys283Tyr; replaces cysteine 283 with tyrosine.
Molecular consequence: missense variant.
Genome position (GRCh38, 1-based): chr13:23,324,513, G>A. VCF-style: chr13-23324513-G-A. GRCh37 (hg19) VCF-style: chr13-23898652-G-A.
Other names: NM_000231.3(SGCG):c.848G>A; c.902G>A, p.Cys301Tyr (NM_001378244.1); c.848G>A, p.Cys283Tyr (NM_001378245.1, NM_001378246.1); short protein forms C283Y, C301Y.
Identifiers: ClinVar variation 2006 (VCV000002006.62), dbSNP rs104894422, ClinGen allele CA339932.

ClinVar aggregate classification (germline): Pathogenic. Review status: reviewed by expert panel (3 of 4 stars). 13 submissions from 13 submitters: Pathogenic (1). 12 of the submissions do not count toward it. Last evaluated 2026-05-01.

Conditions:
SGCG-related disorder. Also called: SGCG-related condition.
Autosomal recessive limb-girdle muscular dystrophy. Identifiers: Orphanet 102015, MedGen C2931907, MONDO:0015152.
Autosomal recessive limb-girdle muscular dystrophy type 2C (LGMDR5). Also called: MUSCULAR DYSTROPHY, DUCHENNE-LIKE; MUSCULAR DYSTROPHY, LIMB-GIRDLE, AUTOSOMAL RECESSIVE 5. Identifiers: Orphanet 353, MedGen C0410173, MONDO:0009677, OMIM 253700. Disease mechanism: Affects gamma-sarcoglycan and also disrupts the integrity of the entire sarcoglycan complex..

Allele frequency attached by ClinVar (database versions not stated): gnomAD exomes below 0.00001 and 0.00001.
gnomAD v4.1: 9 of 1,612,790 alleles (0.00056%); highest among the groups gnomAD compares: East Asian, 0.0022%; no homozygotes.

Submissions (13):

ClinGen Limb Girdle Muscular Dystrophy Variant Curation Expert Panel, ClinGen
Classification: Pathogenic for Autosomal recessive limb-girdle muscular dystrophy. Last evaluated: 2026-05-01. Review status: reviewed by expert panel. Criteria: ClinGen LGMD VCEP ACMG Specifications SGCG V2.0.0. Collection method: curation. Allele origin: germline. Inheritance: Autosomal recessive inheritance.
Comment: The NM_000231.3: c.848G>A variant in SGCG is a missense variant predicted to cause substitution of cysteine by tyrosine at amino acid 283, p.(Cys283Tyr). This variant has been detected in at least 35 individuals with limb-girdle muscular dystrophy, Of those individuals, 1 was compound heterozygous for the variant and a second pathogenic variant, with phase confirmed by parental testing (c.525del, 1 pt, PMID: 11801399). Thirty-four individuals were homozygous for the variant (1 pt, PMIDs: 12746421, 9781048, 30838351, 25214167, 20345928, 10447257, 8968757) (PM3_Strong). The variant has also been reported to segregate with autosomal recessive limb girdle muscular dystrophy in 22 affected family members from nine families (PP1_Strong; PMID: 8968757, 9781048). At least one patient homozygous for this variant displayed progressive limb girdle muscle weakness and absent gamma-sarcoglycan protein expression in skeletal muscle, which is highly specific for SGCG-related LGMD (PMID: 12746421; PP4, capped with PP1_Strong). The upper bound of the 95% confidence interval of the Grpmax variant allele frequency in gnomAD v4.1.1 is 0.000011143 (7/1179992 European (non-Finnish) alleles), which is lower than the LGMD VCEP threshold (<0.00009) for PM2_Supporting, and therefore meets this criterion. In vitro assays have demonstrated that this variant disrupts membrane localization of the sarcoglycan complex, indicating it disrupts protein function (PMID: 22095924; PS3_Supporting). The computational predictor REVEL also gives a score of 0.962, which is above the threshold of 0.7, evidence that correlates with impact to SGCG function (PP3). In summary, this variant meets the criteria to be classified as Pathogenic for autosomal recessive limb girdle muscular dystrophy based on the ACMG/AMP criteria applied, as specified by the ClinGen LGMD VCEP (LGMD VCEP specifications version 2.0.0; 05/01/2026): PM3_Strong, PP1_Strong, PP4, PM2_Supporting, PS3_Supporting, PP3.

GeneDx
Classification: Pathogenic. Last evaluated: 2025-08-11. Review status: criteria provided, single submitter. Criteria: GeneDx Variant Classification Process June 2021. Collection method: clinical testing. Allele origin: germline. Affected: yes. Not counted in ClinVar's aggregate classification.
Comment: Published functional studies found this variant results in defective intracellular trafficking of sarcoglycan proteins (PMID: 22095924); Not observed at significant frequency in large population cohorts (gnomAD); Missense variants in this gene are a common cause of disease and they are underrepresented in the general population; In silico analysis supports that this missense variant has a deleterious effect on protein structure/function; This variant is associated with the following publications: (PMID: 10447257, 9781048, 15479193, 15322984, 30919934, 10797913, 31589614, 25214167, 35239206, 31069529, 22095924, 8968757)

Dasa
Classification: Pathogenic. Last evaluated: 2025-07-07. Review status: criteria provided, single submitter. Criteria: DASA Assertion Criteria. Collection method: clinical testing. Allele origin: germline. Not counted in ClinVar's aggregate classification.
Comment: NM_000231.3(SGCG):c.848G>A (p.Cys283Tyr) is a missense variant that results in the substitution of cysteine with tyrosine. This variant has been observed in affected individuals with related phenotype in a genotype context consistent with recessive disease (PMID: 14981741; PMID: 22095924; PMID: 9781048; PMID: 20345928). Functional evidence supports a deleterious effect on the gene or gene product (PMID: 14981741; PMID: 22095924; PMID: 9781048; PMID: 20345928). This variant has been recurrently observed in individuals with related phenotype (PMID: 14981741; PMID: 22095924; PMID: 9781048; PMID: 20345928). Multiple computational predictions support a deleterious effect on the gene or gene product. The variant is present at low frequency in population datasets. Based on the available data, this variant is classified as pathogenic.

Natera, Inc.
Classification: Likely pathogenic for Limb-girdle muscular dystrophy type 2C. Last evaluated: 2024-08-14. Review status: criteria provided, single submitter. Criteria: Natera Variant Classification Schema (03/2026). Collection method: clinical testing. Allele origin: germline. Not counted in ClinVar's aggregate classification.
Comment: The c.848G>A variant in SGCG is a missense variant predicted to cause substitution of cysteine to tyrosine at amino acid 283. This variant is rare in the general population with a frequency below the threshold expected for the associated phenotype(s). This variant has been observed in one or more individuals affected with the associated recessive disease, as either homozygous or compound heterozygous with a second variant (PMID: 17994539, 11801399). Additionally, this variant has been observed to segregate in affected family members (PMID: 8968757). Computational prediction algorithms indicate this variant is likely to affect gene or protein function. Given the available evidence, this variant is classified as Likely Pathogenic.

Blueprint Genetics
Classification: Pathogenic for SGCG-related disorders. Last evaluated: 2024-06-10. Review status: criteria provided, single submitter. Criteria: ACMG Guidelines, 2015. Collection method: clinical testing. Allele origin: germline. Affected: yes. Observed: 3 variant alleles. Not counted in ClinVar's aggregate classification.

Revvity Omics, Revvity
Classification: Pathogenic for Autosomal recessive limb-girdle muscular dystrophy type 2C. Last evaluated: 2024-03-28. Review status: criteria provided, single submitter. Criteria: ACMG Guidelines, 2015. Collection method: clinical testing. Allele origin: germline. Not counted in ClinVar's aggregate classification.

Labcorp Genetics (formerly Invitae), Labcorp
Classification: Pathogenic for Autosomal recessive limb-girdle muscular dystrophy type 2C. Last evaluated: 2024-03-17. Review status: criteria provided, single submitter. Criteria: Invitae Variant Classification Sherloc (09022015). Collection method: clinical testing. Allele origin: germline. Not counted in ClinVar's aggregate classification.
Comment: This sequence change replaces cysteine, which is neutral and slightly polar, with tyrosine, which is neutral and polar, at codon 283 of the SGCG protein (p.Cys283Tyr). This variant is present in population databases (rs104894422, gnomAD 0.0009%). This missense change has been observed in individual(s) with limb-girdle muscular dystrophy type 2C (PMID: 8968757, 9781048, 22095924). It is commonly reported in individuals of Roma ancestry (PMID: 10447257, 15322984). ClinVar contains an entry for this variant (Variation ID: 2006). Advanced modeling of protein sequence and biophysical properties (such as structural, functional, and spatial information, amino acid conservation, physicochemical variation, residue mobility, and thermodynamic stability) performed at Invitae indicates that this missense variant is expected to disrupt SGCG protein function with a positive predictive value of 80%. Experimental studies have shown that this missense change affects SGCG function (PMID: 22095924). For these reasons, this variant has been classified as Pathogenic.

Laboratory of Medical Genetics, National & Kapodistrian University of Athens
Classification: Pathogenic for Autosomal recessive limb-girdle muscular dystrophy type 2C. Last evaluated: 2024-02-01. Review status: criteria provided, single submitter. Criteria: ACMG Guidelines, 2015. Collection method: curation. Allele origin: germline. Affected: no. Not counted in ClinVar's aggregate classification.

Baylor Genetics
Classification: Pathogenic for Autosomal recessive limb-girdle muscular dystrophy type 2C. Last evaluated: 2023-06-05. Review status: criteria provided, single submitter. Criteria: ACMG Guidelines, 2015. Collection method: clinical testing. Allele origin: unknown. Not counted in ClinVar's aggregate classification.

CeGaT Center for Human Genetics Tuebingen
Classification: Pathogenic. Last evaluated: 2019-05-01. Review status: criteria provided, single submitter. Criteria: CeGaT Center For Human Genetics Tuebingen Variant Classification Criteria Version 2. Collection method: clinical testing. Allele origin: germline. Affected: yes. Observed: 2 variant alleles. Not counted in ClinVar's aggregate classification.

Broad Center for Mendelian Genomics, Broad Institute of MIT and Harvard
Classification: Pathogenic for Autosomal recessive limb-girdle muscular dystrophy type 2C. Last evaluated: 2018-12-03. Review status: criteria provided, single submitter. Criteria: ACMG Guidelines, 2015. Collection method: research. Allele origin: germline. Inheritance: Autosomal recessive inheritance. Affected: yes. Not counted in ClinVar's aggregate classification.
Comment: This variant has been identified in 0.0008957% (1/111646) of European (non-Finnish) chromosomes by the Genome Aggregation Database (gnomAD; dbSNP rs104894422). Although this variant has been seen in the general population, its frequency is low enough to be consistent with a recessive carrier frequency. Computational prediction tools and conservation analyses suggest that this variant may impact the protein, though this information is not predictive enough to determine pathogenicity. In vitro functional studies provide some evidence that the p.Cys283Tyr variant may impact protein function by disrupting sarcoglycan formation and protein localization to the membrane (PMID: 14981741, 22095924). However, these types of assays may not accurately represent biological function. The p.Cys283Tyr variant in SGCG has been reported in at least 327 Spanish Gypsy individuals with LGMD, segregated with disease in 13 affected relatives from 2 families, and is believed to be a founder variant (PMID: 9781048, 20345928, 9658457, 22095924). In summary, the p.Cys283Tyr variant is pathogenic. ACMG/AMP Criteria applied: PM2, PP3, PS3, PP1_Strong (Richards 2015).

Fulgent Genetics
Classification: Likely pathogenic for Autosomal recessive limb-girdle muscular dystrophy type 2C. Last evaluated: 2018-10-31. Review status: criteria provided, single submitter. Criteria: ACMG Guidelines, 2015. Collection method: clinical testing. Allele origin: unknown. Not counted in ClinVar's aggregate classification.

OMIM
Classification: Pathogenic for MUSCULAR DYSTROPHY, LIMB-GIRDLE, AUTOSOMAL RECESSIVE 5. Last evaluated: 2004-11-01. Review status: no assertion criteria provided. Collection method: literature only. Allele origin: germline. Not counted in ClinVar's aggregate classification.

Literature cited by the submitters: PubMed 14981741 (cited by Dasa and Broad Center for Mendelian Genomics, Broad Institute of MIT and Harvard); PubMed 22095924 (cited by 3 submitters); PubMed 9781048 (cited by 4 submitters); PubMed 20345928 (cited by Dasa and Broad Center for Mendelian Genomics, Broad Institute of MIT and Harvard); PubMed 17994539 (cited by Natera, Inc.); PubMed 11801399 (cited by Natera, Inc.); PubMed 8968757 (cited by 3 submitters); PubMed 10447257 (cited by Labcorp Genetics (formerly Invitae), Labcorp and OMIM); PubMed 15322984 (cited by Labcorp Genetics (formerly Invitae), Labcorp and OMIM); PubMed 9658457 (cited by Broad Center for Mendelian Genomics, Broad Institute of MIT and Harvard); PubMed 15479193 (cited by OMIM).